The following is an entry in ClinVar:

NM_001375524.1(TRRAP):c.1566C>A (p.Ala522=)

Gene: TRRAP (transformation/transcription domain associated protein; plus strand). Cytogenetic location: 7q22.1.
Variant type: single nucleotide variant.
Coding change: c.1566C>A on transcript NM_001375524.1 (MANE Select); coding-DNA position 1566, C replaced by A.
Protein change: p.Ala522=; no amino-acid change (alanine 522 retained).
Molecular consequence: synonymous variant.
Genome position (GRCh38, 1-based): chr7:98,910,271, C>A. VCF-style: chr7-98910271-C-A. GRCh37 (hg19) VCF-style: chr7-98507894-C-A.
Other names: c.1566C>A, p.Ala522= (NM_001244580.2, NM_003496.4).
Identifiers: ClinVar variation 3067669 (VCV003067669.21), dbSNP rs2484713169, ClinGen allele CA456871389.

ClinVar aggregate classification (germline): Likely benign (1 of 4 stars; one submission).

gnomAD v4.1: 2 of 1,598,910 alleles (0.00013%); highest among the groups gnomAD compares: Non-Finnish European, 0.00017%; no homozygotes.

Submission:

CeGaT Center for Human Genetics Tuebingen
Classification: Likely benign. Last evaluated: 2024-03-01. Review status: criteria provided, single submitter. Criteria: CeGaT Center For Human Genetics Tuebingen Variant Classification Criteria Version 2. Collection method: clinical testing. Allele origin: germline. Affected: yes. Observed: 1 variant allele.
Comment: TRRAP: PM2:Supporting, BP4, BP7